The following is an entry in ClinVar:

ClinVar aggregate classification (germline): Uncertain significance (0 of 4 stars; one submission).

Conditions:
FLNC-related disorder. Also called: FLNC-related disorders; FLNC-related condition.

Submission:

PreventionGenetics, part of Exact Sciences
Classification: Uncertain significance for FLNC-related condition. Last evaluated: 2024-03-01. Review status: no assertion criteria provided. Collection method: clinical testing. Allele origin: germline.
Comment: The FLNC c.6052C>A variant is predicted to result in the amino acid substitution p.Arg2018Ser. To our knowledge, this variant has not been reported in the literature or in a large population database, indicating this variant is rare. At this time, the clinical significance of this variant is uncertain due to the absence of conclusive functional and genetic evidence.

NM_001458.5(FLNC):c.6052C>A (p.Arg2018Ser)

Genes: FLNC (filamin C; plus strand), FLNC-AS1 (FLNC antisense RNA 1; minus strand). Cytogenetic location: 7q32.1.
Variant type: single nucleotide variant.
Coding change: c.6052C>A on transcript NM_001458.5 (MANE Select); coding-DNA position 6052, C replaced by A.
Protein change: p.Arg2018Ser; replaces arginine 2018 with serine.
Molecular consequence: missense variant.
Genome position (GRCh38, 1-based): chr7:128,852,875, C>A. VCF-style: chr7-128852875-C-A. GRCh37 (hg19) VCF-style: chr7-128492929-C-A.
Other names: c.5953C>A, p.Arg1985Ser (NM_001127487.2); short protein forms R1985S, R2018S.
Identifiers: ClinVar variation 3061057 (VCV003061057.2), dbSNP rs1335627502, ClinGen allele CA369211068.